The following is an entry in ClinVar:

NM_152309.3(PIK3AP1):c.1339A>G (p.Met447Val)

Genes: PIK3AP1 (phosphoinositide-3-kinase adaptor protein 1; minus strand), LOC130004439 (ATAC-STARR-seq lymphoblastoid active region 3829; plus strand). Cytogenetic location: 10q24.1.
Variant type: single nucleotide variant.
Coding change: c.1339A>G on transcript NM_152309.3 (MANE Select); coding-DNA position 1339, A replaced by G.
Protein change: p.Met447Val; replaces methionine 447 with valine.
Molecular consequence: missense variant.
Genome position (GRCh38, 1-based): chr10:96,645,509, T>C on the plus strand (A>G on the coding strand, the complement: PIK3AP1 is on the minus strand). VCF-style: chr10-96645509-T-C. GRCh37 (hg19) VCF-style: chr10-98405266-T-C.
Other names: short protein forms M447V.
Identifiers: ClinVar variation 948391 (VCV000948391.11), dbSNP rs199952187, ClinGen allele CA5626313.

ClinVar aggregate classification (germline): Uncertain significance. Review status: criteria provided, multiple submitters, no conflicts (2 of 4 stars). 2 submissions from 2 submitters: Uncertain significance (2). Last evaluated 2025-04-10.

Conditions:
Infantile spasms. Also called: Infantile spasm. Identifiers: MedGen C3887898, HP:0012469.

Allele frequency attached by ClinVar (database versions not stated): gnomAD 0.00007 and 0.00008; gnomAD exomes 0.00007 and 0.00009; ExAC 0.00008; TOPMed 0.00008.
gnomAD v4.1: 143 of 1,613,968 alleles (0.0089%); highest among the groups gnomAD compares: Non-Finnish European, 0.012%; no homozygotes.

Submissions (2):

Ambry Genetics
Classification: Uncertain significance. Last evaluated: 2025-04-10. Review status: criteria provided, single submitter. Criteria: Ambry Variant Classification Scheme 2023. Collection method: clinical testing. Allele origin: germline.

Labcorp Genetics (formerly Invitae), Labcorp
Classification: Uncertain significance for Infantile spasms. Last evaluated: 2024-09-05. Review status: criteria provided, single submitter. Criteria: Invitae Variant Classification Sherloc (09022015). Collection method: clinical testing. Allele origin: germline.
Comment: This sequence change replaces methionine, which is neutral and non-polar, with valine, which is neutral and non-polar, at codon 447 of the PIK3AP1 protein (p.Met447Val). This variant is present in population databases (rs199952187, gnomAD 0.02%). This variant has not been reported in the literature in individuals affected with PIK3AP1-related conditions. ClinVar contains an entry for this variant (Variation ID: 948391). An algorithm developed to predict the effect of missense changes on protein structure and function (PolyPhen-2) suggests that this variant is likely to be disruptive. In summary, the available evidence is currently insufficient to determine the role of this variant in disease. Therefore, it has been classified as a Variant of Uncertain Significance.